The following is an entry in ClinVar:

NM_001145442.1(POTEM):c.147C>T (p.His49=)

Genes: POTEG (POTE ankyrin domain family member G; minus strand), POTEM (POTE ankyrin domain family member M; plus strand). Cytogenetic location: 14q11.2.
Variant type: single nucleotide variant.
Coding change: c.147C>T on transcript NM_001145442.1 (MANE Select); coding-DNA position 147, C replaced by T.
Protein change: p.His49=; no amino-acid change (histidine 49 retained).
Molecular consequence: synonymous variant.
Genome position (GRCh38, 1-based): chr14:18,967,632, C>T. VCF-style: chr14-18967632-C-T. GRCh37 (hg19) VCF-style: chr14-20020074-G-A.
Identifiers: ClinVar variation 2644031 (VCV002644031.24), dbSNP rs778142008, ClinGen allele CA7072269.

ClinVar aggregate classification (germline): Likely benign (1 of 4 stars; one submission).

Allele frequency attached by ClinVar (database versions not stated): ExAC 0.00432.

Submission:

CeGaT Center for Human Genetics Tuebingen
Classification: Likely benign. Last evaluated: 2022-12-01. Review status: criteria provided, single submitter. Criteria: CeGaT Center For Human Genetics Tuebingen Variant Classification Criteria Version 2. Collection method: clinical testing. Allele origin: germline. Affected: yes. Observed: 1 variant allele.
Comment: POTEG: BS2; POTEM: BP4, BS2